The following is an entry in ClinVar:

NM_000642.3(AGL):c.4295T>A (p.Leu1432Ter)

Gene: AGL (amylo-alpha-1,6-glucosidase and 4-alpha-glucanotransferase; plus strand). Cytogenetic location: 1p21.2.
Variant type: single nucleotide variant.
Coding change: c.4295T>A on transcript NM_000642.3 (MANE Select); coding-DNA position 4295, T replaced by A.
Protein change: p.Leu1432Ter; replaces leucine 1432 with a stop codon.
Molecular consequence: nonsense.
Genome position (GRCh38, 1-based): chr1:99,916,445, T>A. VCF-style: chr1-99916445-T-A. GRCh37 (hg19) VCF-style: chr1-100382001-T-A.
Other names: c.4295T>A, p.Leu1432Ter (NM_000028.3, NM_000643.3, NM_000644.3 and 1 more transcripts); c.4247T>A, p.Leu1416Ter (NM_000646.3); c.4274T>A, p.Leu1425Ter (NM_001425326.1); c.4094T>A, p.Leu1365Ter (NM_001425327.1); c.4091T>A, p.Leu1364Ter (NM_001425328.1); c.3956T>A, p.Leu1319Ter (NM_001425329.1); c.3917T>A, p.Leu1306Ter (NM_001425332.1); short protein forms L1416*, L1432*, L1306*, L1319*, L1364*, L1365*, L1425*.
Identifiers: ClinVar variation 1724666 (VCV001724666.2), dbSNP rs2523861670, ClinGen allele CA341342261.

ClinVar aggregate classification (germline): Likely pathogenic (1 of 4 stars; one submission).

Conditions:
Glycogen storage disease type III (GSD3). Also called: FORBES DISEASE; Cori disease. Identifiers: Orphanet 366, MedGen C0017922, MONDO:0009291, OMIM 232400.

Submission:

Myriad Genetics, Inc.
Classification: Likely pathogenic for Glycogen storage disease type III. Last evaluated: 2022-02-25. Review status: criteria provided, single submitter. Criteria: Myriad Women's Health Autosomal Recessive and X-Linked Classification Criteria (2021). Collection method: clinical testing. Allele origin: unknown.
Comment: NM_000642.2(AGL):c.4295T>A(L1432*) is expected to be pathogenic in the context of glycogen storage disease type III. This variant is predicted to lead to an abnormal or absent protein product due to the creation of a premature termination codon in AGL, a gene where loss-of-function variants are known to be pathogenic. Please note: this variant was assessed in the context of healthy population screening.